The following is an entry in ClinVar:

ClinVar aggregate classification (germline): Likely pathogenic (1 of 4 stars; one submission).

Conditions:
Tay-Sachs disease (TSD). Also called: GM2 gangliosidosis, type 1; Hexosaminidase alpha-subunit deficiency (variant B); Sphingolipidosis, Tay-Sachs; Hexosaminidase A Deficiency; HEXA DEFICIENCY; HEXA Disorders. Identifiers: Orphanet 845, MedGen C0039373, MONDO:0010100, OMIM 272800.

Submission:

Myriad Genetics, Inc.
Classification: Likely pathogenic for Tay-Sachs disease. Last evaluated: 2021-12-17. Review status: criteria provided, single submitter. Criteria: Myriad Women's Health Autosomal Recessive and X-Linked Classification Criteria (2021). Collection method: clinical testing. Allele origin: unknown.
Comment: NM_000520.4(HEXA):c.288delT(V97Sfs*3) is expected to be pathogenic in the context of hexosaminidase A deficiency. This variant is predicted to lead to an abnormal or absent protein product due to the creation of a premature termination codon in HEXA, a gene where loss-of-function variants are known to be pathogenic. Please note: this variant was assessed in the context of healthy population screening.

NM_000520.6(HEXA):c.288del (p.Val97fs)

Gene: HEXA (hexosaminidase subunit alpha; minus strand). Cytogenetic location: 15q23.
Variant type: Deletion.
Coding change: c.288del on transcript NM_000520.6 (MANE Select); coding-DNA position 288, one base deleted (T; older notation c.288delT).
Protein change: p.Val97fs; shifts the reading frame from valine 97.
Molecular consequence: frameshift variant. On other transcripts: non-coding transcript variant (1).
Genome position (GRCh38, 1-based): chr15:72,356,583, A deleted on the plus strand (T on the coding strand, the reverse complement: HEXA is on the minus strand); the first of 2 consecutive A bases (chr15:72,356,583-72,356,584); deleting either gives the same sequence. VCF-style (leftmost placement, unchanged base first): chr15-72356582-CA-C. GRCh37 (hg19) VCF-style: chr15-72648923-CA-C.
Other names: c.321del, p.Val108fs (NM_001318825.2); short protein forms V108fs, V97fs.
Identifiers: ClinVar variation 1726458 (VCV001726458.2), dbSNP rs2542540160, ClinGen allele CA2580089980.